The following is an entry in ClinVar:

NM_004360.5(CDH1):c.2295+1G>C

Gene: CDH1 (cadherin 1; plus strand). Cytogenetic location: 16q22.1.
Variant type: single nucleotide variant.
Coding change: c.2295+1G>C on transcript NM_004360.5 (MANE Select); the canonical splice donor site of the intron after coding-DNA position 2295, G replaced by C.
Molecular consequence: splice donor variant.
Genome position (GRCh38, 1-based): chr16:68,828,305, G>C. VCF-style: chr16-68828305-G-C. GRCh37 (hg19) VCF-style: chr16-68862208-G-C.
Other names: c.747+1G>C (NM_001317185.2); c.330+1G>C (NM_001317186.2); c.2112+1G>C (NM_001317184.2).
Identifiers: ClinVar variation 654632 (VCV000654632.11), dbSNP rs1596971108, ClinGen allele CA396470171.

ClinVar aggregate classification (germline): Likely pathogenic. Review status: criteria provided, multiple submitters, no conflicts (2 of 4 stars). 3 submissions from 3 submitters: Likely pathogenic (3). Last evaluated 2023-06-15.

Conditions:
Hereditary cancer-predisposing syndrome. Also called: Neoplastic Syndromes, Hereditary; Hereditary neoplastic syndrome; Hereditary Cancer Syndrome; Tumor predisposition. Identifiers: Orphanet 140162, MedGen C0027672, MeSH D009386, MONDO:0015356.
Hereditary diffuse gastric adenocarcinoma (HDGC). Also called: DIFFUSE GASTRIC AND LOBULAR BREAST CANCER SYNDROME. Identifiers: Orphanet 26106, MedGen C1708349, MONDO:0007648, OMIM 137215.

Submissions (3):

Myriad Genetics, Inc.
Classification: Likely pathogenic for Hereditary diffuse gastric adenocarcinoma. Last evaluated: 2023-06-15. Review status: criteria provided, single submitter. Criteria: Myriad Autosomal Dominant, Autosomal Recessive and X-Linked Classification Criteria (2023). Collection method: clinical testing. Allele origin: unknown.
Comment: This variant is considered likely pathogenic. This variant occurs within a consensus splice junction and is predicted to result in abnormal mRNA splicing of either an out-of-frame exon or an in-frame exon necessary for protein stability and/or normal function.

Ambry Genetics
Classification: Likely pathogenic for Hereditary cancer-predisposing syndrome. Last evaluated: 2021-03-12. Review status: criteria provided, single submitter. Criteria: Ambry Variant Classification Scheme 2023. Collection method: clinical testing. Allele origin: germline.
Comment: The c.2295+1G>C intronic variant results from a G to C substitution one nucleotide after coding exon 14 of the CDH1 gene. This nucleotide position is highly conserved in available vertebrate species. In silico splice site analysis predicts that this alteration will weaken the native splice donor site. RNA studies have demonstrated that this alteration results in abnormal splicing in the set of samples tested (Ambry internal data). Alterations that disrupt the canonical splice site are expected to cause aberrant splicing, resulting in an abnormal protein or a transcript that is subject to nonsense-mediated mRNA decay. As such, this alteration is classified as likely pathogenic.

Labcorp Genetics (formerly Invitae), Labcorp
Classification: Likely pathogenic for Hereditary diffuse gastric adenocarcinoma. Last evaluated: 2018-12-13. Review status: criteria provided, single submitter. Criteria: Invitae Variant Classification Sherloc (09022015). Collection method: clinical testing. Allele origin: germline.
Comment: This sequence change affects a donor splice site in intron 14 of the CDH1 gene. It is expected to disrupt RNA splicing and likely results in an absent or disrupted protein product. In summary, the currently available evidence indicates that the variant is pathogenic, but additional data are needed to prove that conclusively. Therefore, this variant has been classified as Likely Pathogenic. Donor and acceptor splice site variants typically lead to a loss of protein function (PMID: 16199547), and loss-of-function variants in CDH1 are known to be pathogenic (PMID: 15235021, 20373070). This variant has not been reported in the literature in individuals with CDH1-related conditions. This variant is not present in population databases (ExAC no frequency).

Literature cited by the submitters: PubMed 16199547 (cited by Labcorp Genetics (formerly Invitae), Labcorp); PubMed 15235021 (cited by Labcorp Genetics (formerly Invitae), Labcorp); PubMed 20373070 (cited by Labcorp Genetics (formerly Invitae), Labcorp).